The following is an entry in ClinVar:

ClinVar aggregate classification (germline): Benign. Review status: criteria provided, multiple submitters, no conflicts (2 of 4 stars). 12 submissions from 12 submitters: Benign (10). 2 of the submissions do not count toward it. Last evaluated 2026-03-23.

Conditions:
Familial hypokalemia-hypomagnesemia (GTLMNS). Also called: gitelman syndrome; HYPOMAGNESEMIA-HYPOKALEMIA, PRIMARY RENOTUBULAR, WITH HYPOCALCIURIA; POTASSIUM AND MAGNESIUM DEPLETION. Identifiers: Orphanet 358, MedGen C0268450, MONDO:0009904, OMIM 263800.

Allele frequency attached by ClinVar (database versions not stated): gnomAD exomes 0.25806 and 0.28262; ExAC 0.28717; gnomAD 0.33810 and 0.34518; 1000 Genomes Project 0.33966; TOPMed 0.34545; ESP Exome Variant Server 0.34826; 1000 Genomes Project 30x 0.34900.
gnomAD v4.1: 428,470 of 1,610,364 alleles (27%); highest among the groups gnomAD compares: African/African-American, 54%; 61,168 homozygotes.

Submissions (12):

Women's Health and Genetics/Laboratory Corporation of America, LabCorp
Classification: Benign. Last evaluated: 2026-03-23. Review status: criteria provided, single submitter. Criteria: LabCorp Variant Classification Summary - May 2015. Collection method: clinical testing. Allele origin: germline.

Labcorp Genetics (formerly Invitae), Labcorp
Classification: Benign. Last evaluated: 2026-02-04. Review status: criteria provided, single submitter. Criteria: Invitae Variant Classification Sherloc (09022015). Collection method: clinical testing. Allele origin: germline.

Blueprint Genetics
Classification: Benign. Last evaluated: 2024-11-27. Review status: criteria provided, single submitter. Criteria: ACMG Guidelines, 2015. Collection method: clinical testing. Allele origin: germline.

Genome-Nilou Lab
Classification: Benign for Familial hypokalemia-hypomagnesemia. Last evaluated: 2021-07-10. Review status: criteria provided, single submitter. Criteria: ACMG Guidelines, 2015. Collection method: clinical testing. Allele origin: germline. Affected: no.

GeneDx
Classification: Benign. Last evaluated: 2019-08-06. Review status: criteria provided, single submitter. Criteria: GeneDx Variant Classification Process June 2021. Collection method: clinical testing. Allele origin: germline. Affected: yes.
Comment: This variant is associated with the following publications: (PMID: 14578305)

Illumina Laboratory Services, Illumina
Classification: Benign for Familial hypokalemia-hypomagnesemia. Last evaluated: 2018-03-06. Review status: criteria provided, single submitter. Criteria: ICSL Variant Classification Criteria 13 December 2019. Collection method: clinical testing. Allele origin: germline.
Comment: This variant was observed in the ICSL laboratory as part of a predisposition screen in an ostensibly healthy population. It had not been previously curated by ICSL or reported in the Human Gene Mutation Database (HGMD: prior to June 1st, 2018), and was therefore a candidate for classification through an automated scoring system. Utilizing variant allele frequency, disease prevalence and penetrance estimates, and inheritance mode, an automated score was calculated to assess if this variant is too frequent to cause the disease. Based on the score and internal cut-off values, a variant classified as benign is not then subjected to further curation. The score for this variant resulted in a classification of benign for this disease.

Laboratory for Molecular Medicine, Mass General Brigham Personalized Medicine
Classification: Benign. Last evaluated: 2016-03-21. Review status: criteria provided, single submitter. Criteria: LMM Criteria. Collection method: clinical testing. Allele origin: germline. Observed: 1 variant allele.
Comment: c.2951+13C>T in intron 25 of SLC12A3: This variant is not expected to have clini cal significance because it is not located within the splice consensus sequence and has been identified in 58.70% (776/1322) of African chromosomes by the 1000 Genomes Project (Phase 3; dbSNP rs2289115).

Genome Diagnostics Laboratory, University Medical Center Utrecht
Classification: Benign for Familial hypokalemia-hypomagnesemia. Last evaluated: 2014-10-09. Review status: criteria provided, single submitter. Criteria: ACGS Guidelines, 2013. Collection method: clinical testing. Allele origin: germline. Affected: yes. Study: VKGL Data-share Consensus.

Breakthrough Genomics
Classification: Benign. Review status: criteria provided, single submitter. Criteria: ACMG Guidelines, 2015. Collection method: not provided. Allele origin: germline. Inheritance: Autosomal recessive inheritance. Affected: yes.

PreventionGenetics, part of Exact Sciences
Classification: Benign. Review status: criteria provided, single submitter. Criteria: ACMG Guidelines, 2015. Collection method: clinical testing. Allele origin: germline.

Diagnostic Laboratory, Department of Genetics, University Medical Center Groningen
Classification: Benign for Familial hypokalemia-hypomagnesemia. Review status: no assertion criteria provided. Collection method: clinical testing. Allele origin: germline. Affected: yes. Study: VKGL Data-share Consensus. Not counted in ClinVar's aggregate classification.

Joint Genome Diagnostic Labs from Nijmegen and Maastricht, Radboudumc and MUMC+
Classification: Benign. Review status: no assertion criteria provided. Collection method: clinical testing. Allele origin: germline. Affected: yes. Study: VKGL Data-share Consensus. Not counted in ClinVar's aggregate classification.

NM_001126108.2(SLC12A3):c.2924+13C>T

Gene: SLC12A3 (solute carrier family 12 member 3; plus strand). Cytogenetic location: 16q13.
Variant type: single nucleotide variant.
Coding change: c.2924+13C>T on transcript NM_001126108.2 (MANE Select); 13 bases into the intron after coding-DNA position 2924, C replaced by T.
Molecular consequence: intron variant.
Genome position (GRCh38, 1-based): chr16:56,904,475, C>T. VCF-style: chr16-56904475-C-T. GRCh37 (hg19) VCF-style: chr16-56938387-C-T.
Other names: c.2951+13C>T (NM_000339.3); c.2948+13C>T (NM_001126107.2).
Identifiers: ClinVar variation 255891 (VCV000255891.29), dbSNP rs2289115, ClinGen allele CA8070150.
Genomic context (GRCh38, chr16:56,904,475, plus strand): 5'-GAATGAGATTGTGCTGGATTACTCCCGAGACGCTGCTCTCATCGTCATGTAAGTAGTGCC[C>T]GGCTGGTGGGAGGACCAGTCTGTCCAGAGTCAGGTGTCTCAGCTCTGGGAAGGGGCTCAG-3'